The following is an entry in ClinVar:

ClinVar aggregate classification (germline): Pathogenic/Likely pathogenic. Review status: criteria provided, multiple submitters, no conflicts (2 of 4 stars). 2 submissions from 2 submitters: Pathogenic (1); Likely pathogenic (1). Last evaluated 2025-09-04.

Conditions:
Spastic paraplegia. Identifiers: MedGen C0037772, HP:0001258.
Abnormality of the nervous system. Also called: Congenital nervous system disorder. Identifiers: MedGen C0497552, MONDO:0002320, HP:0000707.

Allele frequency attached by ClinVar (database versions not stated): gnomAD exomes below 0.00001; gnomAD 0.00001; TOPMed 0.00001; 1000 Genomes Project 30x 0.00016; 1000 Genomes Project 0.00020.

Submissions (2):

Labcorp Genetics (formerly Invitae), Labcorp
Classification: Pathogenic for Spastic paraplegia. Last evaluated: 2025-09-04. Review status: criteria provided, single submitter. Criteria: Invitae Variant Classification Sherloc (09022015). Collection method: clinical testing. Allele origin: germline.
Comment: This sequence change creates a premature translational stop signal (p.Arg304*) in the AP4E1 gene. It is expected to result in an absent or disrupted protein product. Loss-of-function variants in AP4E1 are known to be pathogenic (PMID: 21620353, 21937992, 23472171). This variant is present in population databases (rs569567659, gnomAD 0.0008%). This premature translational stop signal has been observed in individual(s) with AP4E1-related conditions (PMID: 38374194). ClinVar contains an entry for this variant (Variation ID: 1180640). Algorithms developed to predict the effect of sequence changes on RNA splicing suggest that this variant may disrupt the consensus splice site. For these reasons, this variant has been classified as Pathogenic.

Kariminejad - Najmabadi Pathology & Genetics Center
Classification: Likely pathogenic for Abnormality of the nervous system. Last evaluated: 2021-07-10. Review status: criteria provided, single submitter. Criteria: ACMG Guidelines, 2015. Collection method: clinical testing. Allele origin: germline. Affected: yes.

Literature cited by the submitters: PubMed 21620353 (cited by Labcorp Genetics (formerly Invitae), Labcorp); PubMed 21937992 (cited by Labcorp Genetics (formerly Invitae), Labcorp); PubMed 23472171 (cited by Labcorp Genetics (formerly Invitae), Labcorp); PubMed 38374194 (cited by Labcorp Genetics (formerly Invitae), Labcorp).

NM_007347.5(AP4E1):c.910C>T (p.Arg304Ter)

Gene: AP4E1 (adaptor related protein complex 4 subunit epsilon 1; plus strand). Cytogenetic location: 15q21.2.
Variant type: single nucleotide variant.
Coding change: c.910C>T on transcript NM_007347.5 (MANE Select); coding-DNA position 910, C replaced by T.
Protein change: p.Arg304Ter; replaces arginine 304 with a stop codon.
Molecular consequence: nonsense.
Genome position (GRCh38, 1-based): chr15:50,934,664, C>T. VCF-style: chr15-50934664-C-T. GRCh37 (hg19) VCF-style: chr15-51226861-C-T.
Other names: c.685C>T, p.Arg229Ter (NM_001252127.2); short protein forms R229*, R304*.
Identifiers: ClinVar variation 1180640 (VCV001180640.2), dbSNP rs569567659, ClinGen allele CA7558917.